The following is an entry in ClinVar:

NM_018451.5(CPAP):c.3085C>G (p.Gln1029Glu)

Gene: CPAP (centrosome assembly and centriole elongation protein; minus strand). Cytogenetic location: 13q12.12.
Variant type: single nucleotide variant.
Coding change: c.3085C>G on transcript NM_018451.5 (MANE Select); coding-DNA position 3085, C replaced by G.
Protein change: p.Gln1029Glu; replaces glutamine 1029 with glutamic acid.
Molecular consequence: missense variant. On other transcripts: non-coding transcript variant (2).
Genome position (GRCh38, 1-based): chr13:24,892,774, G>C on the plus strand (C>G on the coding strand, the complement: CPAP is on the minus strand). VCF-style: chr13-24892774-G-C. GRCh37 (hg19) VCF-style: chr13-25466912-G-C.
Other names: c.3085C>G (NM_018451.3); short protein forms Q1029E.
Identifiers: ClinVar variation 1505481 (VCV001505481.7), dbSNP rs1244476467, ClinGen allele CA387580482.
Genomic context (GRCh38, chr13:24,892,774, plus strand): 5'-GGAATCTTTCCATCACTTTTATTTCTTCCCGGAGGTCTGTGTTCTCTCTGACTAACATTT[G>C]TATCTGGCTTCTGAGACGGCTGTGTGTACTTGACCATTTGGTTTCCTTTCTTTTCAAATC-3'
Protein context (NP_060921.3, residues 1019-1039): STHSRLRSQI[Gln1029Glu]MLVRENTDLR

ClinVar aggregate classification (germline): Conflicting classifications of pathogenicity. Review status: criteria provided, conflicting classifications (1 of 4 stars). 2 submissions from 2 submitters: Uncertain significance (1); Likely benign (1). Last evaluated 2022-05-25.

Conditions:
Inborn genetic diseases. Identifiers: MedGen C0950123, MeSH D030342.

Allele frequency attached by ClinVar (database versions not stated): gnomAD 0.00001; gnomAD exomes 0.00001.
gnomAD v4.1: 11 of 1,613,262 alleles (0.00068%); highest among the groups gnomAD compares: South Asian, 0.0088%; no homozygotes.

Submissions (2):

Ambry Genetics
Classification: Likely benign for Inborn genetic diseases. Last evaluated: 2022-05-25. Review status: criteria provided, single submitter. Criteria: Ambry Variant Classification Scheme 2023. Collection method: clinical testing. Allele origin: germline.

Labcorp Genetics (formerly Invitae), Labcorp
Classification: Uncertain significance. Last evaluated: 2021-09-24. Review status: criteria provided, single submitter. Criteria: Invitae Variant Classification Sherloc (09022015). Collection method: clinical testing. Allele origin: germline.
Comment: In summary, the available evidence is currently insufficient to determine the role of this variant in disease. Therefore, it has been classified as a Variant of Uncertain Significance. Algorithms developed to predict the effect of missense changes on protein structure and function output the following: SIFT: "Tolerated"; PolyPhen-2: "Benign"; Align-GVGD: "Class C0". The glutamic acid amino acid residue is found in multiple mammalian species, which suggests that this missense change does not adversely affect protein function. This variant has not been reported in the literature in individuals affected with CENPJ-related conditions. This variant is not present in population databases (ExAC no frequency). This sequence change replaces glutamine with glutamic acid at codon 1029 of the CENPJ protein (p.Gln1029Glu). The glutamine residue is weakly conserved and there is a small physicochemical difference between glutamine and glutamic acid.